The following is an entry in ClinVar:

NM_201525.4(ADGRG1):c.27G>A (p.Thr9=)

Gene: ADGRG1 (adhesion G protein-coupled receptor G1; plus strand). Cytogenetic location: 16q21.
Variant type: single nucleotide variant.
Coding change: c.27G>A on transcript NM_201525.4 (MANE Select); coding-DNA position 27, G replaced by A.
Protein change: p.Thr9=; no amino-acid change (threonine 9 retained).
Molecular consequence: synonymous variant. On other transcripts: 5 prime UTR variant (4), intron variant (1).
Genome position (GRCh38, 1-based): chr16:57,650,314, G>A. VCF-style: chr16-57650314-G-A. GRCh37 (hg19) VCF-style: chr16-57684226-G-A.
Other names: c.27G>A, p.Thr9= (NM_001145770.3, NM_001145771.3, NM_001145772.3 and 20 more transcripts); c.-456G>A (NM_001290143.2, NM_001290144.2, NM_001370451.1); c.-540G>A (NM_001370453.1); c.-414-933G>A (NM_001370454.1).
Identifiers: ClinVar variation 196416 (VCV000196416.39), dbSNP rs142223451, ClinGen allele CA243365.

ClinVar aggregate classification (germline): Conflicting classifications of pathogenicity. Review status: criteria provided, conflicting classifications (1 of 4 stars). 3 submissions from 3 submitters: Uncertain significance (1); Likely benign (2). Last evaluated 2024-04-08.

Allele frequency attached by ClinVar (database versions not stated): ExAC 0.00002; gnomAD exomes 0.00002; gnomAD 0.00005 and 0.00006; TOPMed 0.00005; ESP Exome Variant Server 0.00008.
gnomAD v4.1: 22 of 1,613,420 alleles (0.0014%); highest among the groups gnomAD compares: African/African-American, 0.015%; no homozygotes.

Submissions (3):

Labcorp Genetics (formerly Invitae), Labcorp
Classification: Likely benign. Last evaluated: 2024-04-08. Review status: criteria provided, single submitter. Criteria: Invitae Variant Classification Sherloc (09022015). Collection method: clinical testing. Allele origin: germline.

CeGaT Center for Human Genetics Tuebingen
Classification: Likely benign. Last evaluated: 2023-03-01. Review status: criteria provided, single submitter. Criteria: CeGaT Center For Human Genetics Tuebingen Variant Classification Criteria Version 2. Collection method: clinical testing. Allele origin: germline. Affected: yes. Observed: 1 variant allele.
Comment: ADGRG1: BP4, BP7

Eurofins Ntd Llc (ga)
Classification: Uncertain significance. Last evaluated: 2014-07-04. Review status: criteria provided, single submitter. Criteria: EGL Classification Definitions 2015. Collection method: clinical testing. Allele origin: germline. Observed: 1 variant allele, 1 heterozygote.